The following is an entry in ClinVar:

ClinVar aggregate classification (germline): Benign. Review status: criteria provided, multiple submitters, no conflicts (2 of 4 stars). 19 submissions from 19 submitters: Benign (15). 4 of the submissions do not count toward it. Last evaluated 2026-02-04.

Conditions:
Cardiovascular phenotype. Identifiers: MedGen CN230736.
Cutis laxa, autosomal recessive, type 1B (ARCL1B). Also called: CUTIS LAXA, AUTOSOMAL RECESSIVE, TYPE IB; EFEMP2-Related Cutis Laxa. Identifiers: Orphanet 90349, MedGen C3280798, MONDO:0013754, OMIM 614437. Disease mechanism: loss of function.
Familial thoracic aortic aneurysm and aortic dissection (TAAD). Also called: Thoracic aortic aneurysms and dissections. Identifiers: Orphanet 91387, MedGen C4707243, MONDO:0019625.
Cutis laxa, autosomal recessive, type 1A (ARCL1A). Also called: Autosomal recessive cutis laxa type IA. Identifiers: Orphanet 90349, MedGen C5848058, MONDO:0009052, OMIM 219100.

Allele frequency attached by ClinVar (database versions not stated): 1000 Genomes Project 30x 0.88538; TOPMed 0.89294; ESP Exome Variant Server 0.89449; 1000 Genomes Project 0.89457; gnomAD 0.89787 and 0.90465; ExAC 0.96950; gnomAD exomes 0.97467 and 0.98992.
gnomAD v4.1: 1,583,882 of 1,613,852 alleles (98%); highest among the groups gnomAD compares: East Asian, 100%; 781,211 homozygotes.

Submissions (19):

Labcorp Genetics (formerly Invitae), Labcorp
Classification: Benign for Cutis laxa, autosomal recessive, type 1B. Last evaluated: 2026-02-04. Review status: criteria provided, single submitter. Criteria: Invitae Variant Classification Sherloc (09022015). Collection method: clinical testing. Allele origin: germline.

ARUP Laboratories, Molecular Genetics and Genomics, ARUP Laboratories
Classification: Benign for Cutis laxa, autosomal recessive, type 1B. Last evaluated: 2025-07-29. Review status: criteria provided, single submitter. Criteria: ARUP Molecular Germline Variant Investigation Process 2024. Collection method: clinical testing. Allele origin: germline.

Molecular Diagnostic Laboratory for Inherited Cardiovascular Disease, Montreal Heart Institute
Classification: Benign. Last evaluated: 2025-04-09. Review status: criteria provided, single submitter. Criteria: ACMG Guidelines, 2015. Collection method: clinical testing. Allele origin: germline. Affected: no.

Blueprint Genetics
Classification: Benign. Last evaluated: 2024-11-27. Review status: criteria provided, single submitter. Criteria: ACMG Guidelines, 2015. Collection method: clinical testing. Allele origin: germline.

CHEO Genetics Diagnostic Laboratory, Children's Hospital of Eastern Ontario
Classification: Benign for Familial thoracic aortic aneurysm and aortic dissection. Last evaluated: 2022-11-17. Review status: criteria provided, single submitter. Criteria: ACMG Guidelines, 2015. Collection method: clinical testing. Allele origin: germline.

Mayo Clinic Laboratories, Mayo Clinic
Classification: Benign. Last evaluated: 2022-04-26. Review status: criteria provided, single submitter. Criteria: ACMG Guidelines, 2015. Collection method: clinical testing. Allele origin: germline. Observed: 728 variant alleles.

Genome-Nilou Lab
Classification: Benign for Cutis laxa, autosomal recessive, type 1B. Last evaluated: 2021-07-30. Review status: criteria provided, single submitter. Criteria: ACMG Guidelines, 2015. Collection method: clinical testing. Allele origin: germline. Affected: no.

Ambry Genetics
Classification: Benign for Cardiovascular phenotype. Last evaluated: 2018-12-04. Review status: criteria provided, single submitter. Criteria: Ambry Variant Classification Scheme 2023. Collection method: clinical testing. Allele origin: germline.

Illumina Laboratory Services, Illumina
Classification: Benign for Cutis laxa, autosomal recessive, type 1B. Last evaluated: 2018-01-12. Review status: criteria provided, single submitter. Criteria: ICSL Variant Classification Criteria 13 December 2019. Collection method: clinical testing. Allele origin: germline.
Comment: This variant was observed in the ICSL laboratory as part of a predisposition screen in an ostensibly healthy population. It had not been previously curated by ICSL or reported in the Human Gene Mutation Database (HGMD: prior to June 1st, 2018), and was therefore a candidate for classification through an automated scoring system. Utilizing variant allele frequency, disease prevalence and penetrance estimates, and inheritance mode, an automated score was calculated to assess if this variant is too frequent to cause the disease. Based on the score and internal cut-off values, a variant classified as benign is not then subjected to further curation. The score for this variant resulted in a classification of benign for this disease.

Women's Health and Genetics/Laboratory Corporation of America, LabCorp
Classification: Benign. Last evaluated: 2017-07-14. Review status: criteria provided, single submitter. Criteria: LabCorp Variant Classification Summary - May 2015. Collection method: clinical testing. Allele origin: germline.
Comment: Variant summary: The EFEMP2 c.775A>G (p.Ile259Val) variant involves the alteration of a non-conserved nucleotide. 4/4 in silico tools predict benign outcome for this variant. This variant was found in 117556/121254 control chromosomes (57465 homozygotes) from ExAC at a frequency of 0.969502, which is approximately 8671 times the estimated maximal expected allele frequency of a pathogenic EFEMP2 variant (0.0001118), therefore allele G is the major allele at this position. Multiple clinical diagnostic laboratories (via ClinVar) have classified this variant as benign. Based on allele frequency of this variant in general population, this variant is classified as benign.

GeneDx
Classification: Benign. Last evaluated: 2016-09-29. Review status: criteria provided, single submitter. Criteria: GeneDx Variant Classification (06012015). Collection method: clinical testing. Allele origin: germline. Affected: yes.
Comment: This variant is considered likely benign or benign based on one or more of the following criteria: it is a conservative change, it occurs at a poorly conserved position in the protein, it is predicted to be benign by multiple in silico algorithms, and/or has population frequency not consistent with disease.

Clinical Genetics DNA and cytogenetics Diagnostics Lab, Erasmus MC, Erasmus Medical Center
Classification: Benign for Cutis laxa, autosomal recessive, type 1B. Last evaluated: 2016-02-04. Review status: criteria provided, single submitter. Criteria: ACGS Guidelines, 2013. Collection method: clinical testing. Allele origin: germline. Affected: yes. Study: VKGL Data-share Consensus.

Laboratory for Molecular Medicine, Mass General Brigham Personalized Medicine
Classification: Benign. Last evaluated: 2013-02-21. Review status: criteria provided, single submitter. Criteria: LMM Criteria. Collection method: clinical testing. Allele origin: germline. Observed: 73 variant alleles.
Comment: Ile259Val in exon 8 of EFEMP2: This variant is not expected to have clinical sig nificance because it has been identified in 30.8% (1358/4402) of African America n chromosomes from a broad population by the NHLBI Exome Sequencing Project (dbSNP rs601314).

Breakthrough Genomics
Classification: Benign. Review status: criteria provided, single submitter. Criteria: ACMG Guidelines, 2015. Collection method: not provided. Allele origin: germline. Inheritance: Autosomal recessive inheritance. Affected: yes.

PreventionGenetics, part of Exact Sciences
Classification: Benign. Review status: criteria provided, single submitter. Criteria: ACMG Guidelines, 2015. Collection method: clinical testing. Allele origin: germline.

Genome Diagnostics Laboratory, Amsterdam University Medical Center
Classification: Benign for Cutis laxa, autosomal recessive, type 1B. Last evaluated: 2014-02-04. Review status: no assertion criteria provided. Criteria: ACGS Guidelines, 2013. Collection method: clinical testing. Allele origin: germline. Affected: yes. Study: VKGL Data-share Consensus. Not counted in ClinVar's aggregate classification.

Diagnostic Laboratory, Department of Genetics, University Medical Center Groningen
Classification: Benign for Cutis laxa, autosomal recessive, type 1B. Review status: no assertion criteria provided. Collection method: clinical testing. Allele origin: germline. Affected: yes. Study: VKGL Data-share Consensus. Not counted in ClinVar's aggregate classification.

GeneReviews
No classification provided. Condition: Autosomal recessive cutis laxa type 1. Review status: no classification provided. Collection method: literature only. Allele origin: unknown. Not counted in ClinVar's aggregate classification.

Joint Genome Diagnostic Labs from Nijmegen and Maastricht, Radboudumc and MUMC+
Classification: Benign. Review status: no assertion criteria provided. Collection method: clinical testing. Allele origin: germline. Affected: yes. Study: VKGL Data-share Consensus. Not counted in ClinVar's aggregate classification.

Literature cited by the submitters: PubMed 21563328 (cited by GeneReviews); NCBI Bookshelf NBK54467 (cited by GeneReviews).

NM_016938.5(EFEMP2):c.775A>G (p.Ile259Val)

Gene: EFEMP2 (EGF-like fibulin extracellular matrix protein 2; minus strand). Cytogenetic location: 11q13.1.
Variant type: single nucleotide variant.
Coding change: c.775A>G on transcript NM_016938.5 (MANE Select); coding-DNA position 775, A replaced by G.
Protein change: p.Ile259Val; replaces isoleucine 259 with valine.
Molecular consequence: missense variant. On other transcripts: non-coding transcript variant (1).
Genome position (GRCh38, 1-based): chr11:65,868,582, T>C on the plus strand (A>G on the coding strand, the complement: EFEMP2 is on the minus strand). VCF-style: chr11-65868582-T-C. GRCh37 (hg19) VCF-style: chr11-65636053-T-C.
Other names: short protein forms I259V.
Identifiers: ClinVar variation 39015 (VCV000039015.45), dbSNP rs601314, ClinGen allele CA183007.
Genomic context (GRCh38, chr11:65,868,582, plus strand): 5'-GTGTGGCCAGCAGCTGGTAACCCTGTGGGCAGTGGCAGGAGAAACGGCCTGGCTCGTTGA[T>C]GCAGCGGTACTGACAGAGGTAGCTGGAGTAGCTACACTCATCAATATCTGAGGAAGCATG-3'
Protein context (NP_058634.4, residues 249-269): YSSYLCQYRC[Ile259Val]NEPGRFSCHC